The following is an entry in ClinVar:

NM_003924.4(PHOX2B):c.545A>C (p.Asp182Ala)

Gene: PHOX2B (paired like homeobox 2B; minus strand). Cytogenetic location: 4p13.
Variant type: single nucleotide variant.
Coding change: c.545A>C on transcript NM_003924.4 (MANE Select); coding-DNA position 545, A replaced by C.
Protein change: p.Asp182Ala; replaces aspartic acid 182 with alanine.
Molecular consequence: missense variant.
Genome position (GRCh38, 1-based): chr4:41,746,207, T>G on the plus strand (A>C on the coding strand, the complement: PHOX2B is on the minus strand). VCF-style: chr4-41746207-T-G. GRCh37 (hg19) VCF-style: chr4-41748224-T-G.
Other names: c.545A>C (NM_003924.3); short protein forms D182A.
Identifiers: ClinVar variation 1471337 (VCV001471337.9), dbSNP rs2153112804, ClinGen allele CA356738221.

ClinVar aggregate classification (germline): Uncertain significance. Review status: criteria provided, multiple submitters, no conflicts (2 of 4 stars). 2 submissions from 2 submitters: Uncertain significance (2). Last evaluated 2026-01-16.

Conditions:
Hereditary cancer-predisposing syndrome. Also called: Neoplastic Syndromes, Hereditary; Tumor predisposition; Hereditary Cancer Syndrome; Hereditary neoplastic syndrome. Identifiers: Orphanet 140162, MedGen C0027672, MeSH D009386, MONDO:0015356.
Haddad syndrome (OHD). Also called: Ondine-Hirschsprung disease. Identifiers: Orphanet 99803, MedGen C1859049, MONDO:0020493.

Submissions (2):

Ambry Genetics
Classification: Uncertain significance for Hereditary cancer-predisposing syndrome. Last evaluated: 2026-01-16. Review status: criteria provided, single submitter. Criteria: Ambry Variant Classification Scheme 2023. Collection method: clinical testing. Allele origin: germline.
Comment: The p.D182A variant (also known as c.545A>C), located in coding exon 3 of the PHOX2B gene, results from an A to C substitution at nucleotide position 545. The aspartic acid at codon 182 is replaced by alanine, an amino acid with dissimilar properties. This amino acid position is conserved. In addition, this alteration is predicted to be tolerated by in silico analysis. Based on the available evidence, the clinical significance of this variant remains unclear.

Labcorp Genetics (formerly Invitae), Labcorp
Classification: Uncertain significance for Haddad syndrome. Last evaluated: 2021-01-10. Review status: criteria provided, single submitter. Criteria: Invitae Variant Classification Sherloc (09022015). Collection method: clinical testing. Allele origin: germline.
Comment: This sequence change replaces aspartic acid with alanine at codon 182 of the PHOX2B protein (p.Asp182Ala). The aspartic acid residue is moderately conserved and there is a moderate physicochemical difference between aspartic acid and alanine. In summary, the available evidence is currently insufficient to determine the role of this variant in disease. Therefore, it has been classified as a Variant of Uncertain Significance. Algorithms developed to predict the effect of missense changes on protein structure and function are either unavailable or do not agree on the potential impact of this missense change (SIFT: "Tolerated"; PolyPhen-2: "Not Available"; Align-GVGD: "Class C25"). This variant has not been reported in the literature in individuals with PHOX2B-related conditions. This variant is not present in population databases (ExAC no frequency).